The following is an entry in ClinVar:

NM_001378454.1(ALMS1):c.11873-3T>G

Genes: ALMS1 (ALMS1 centrosome and basal body associated protein; plus strand), LOC126806252 (BRD4-independent group 4 enhancer GRCh37_chr2:73828496-73829695; plus strand). Cytogenetic location: 2p13.1.
Variant type: single nucleotide variant.
Coding change: c.11873-3T>G on transcript NM_001378454.1 (MANE Select); 3 bases into the intron before coding-DNA position 11873, T replaced by G.
Molecular consequence: intron variant.
Genome position (GRCh38, 1-based): chr2:73,601,192, T>G. VCF-style: chr2-73601192-T-G. GRCh37 (hg19) VCF-style: chr2-73828319-T-G.
Other names: c.11876-3T>G (NM_015120.4); c.11873-3T>G (NM_015120.4).
Identifiers: ClinVar variation 4815766 (VCV004815766.1).

ClinVar aggregate classification (germline): Likely pathogenic (1 of 4 stars; one submission).

Conditions:
Alstrom syndrome (ALMS). Identifiers: Orphanet 64, MedGen C0268425, MONDO:0008763, OMIM 203800.

Submission:

Natera, Inc.
Classification: Likely pathogenic for Alstrom syndrome. Last evaluated: 2025-12-15. Review status: criteria provided, single submitter. Criteria: Natera Variant Classification Schema (03/2026). Collection method: clinical testing. Allele origin: germline.
Comment: The c.11876-3T>G variant in ALMS1 is an intronic variant located outside the canonical splice sites. This variant is rare in the general population with a frequency below the threshold expected for the associated phenotype(s). This variant has been observed in one or more individuals affected with the associated recessive disease, as either homozygous or compound heterozygous with a second variant (PMID: 23652376, 25296579). Functional studies show that this variant may disrupt protein function (PMID: 23652376). Computational prediction algorithms indicate this variant is likely to affect gene or protein function. Given the available evidence, this variant is classified as Likely Pathogenic.

Literature cited by the submitters: PubMed 23652376; PubMed 25296579.